The following is an entry in ClinVar:

ClinVar aggregate classification (germline): Uncertain significance (1 of 4 stars; one submission).

Conditions:
Long QT syndrome (LQTS). Identifiers: MedGen C0023976, MeSH D008133, MONDO:0002442. Disease mechanism: loss of function. Inheritance: Various modes of inheritance.

Allele frequency attached by ClinVar (database versions not stated): 1000 Genomes Project 30x 0.00016; gnomAD exomes 0.00001; 1000 Genomes Project 0.00020; TOPMed below 0.00001; ExAC 0.00001; gnomAD 0.00001.

Submission:

Labcorp Genetics (formerly Invitae), Labcorp
Classification: Uncertain significance for Long QT syndrome. Last evaluated: 2017-05-27. Review status: criteria provided, single submitter. Criteria: Invitae Variant Classification Sherloc (09022015). Collection method: clinical testing. Allele origin: germline.
Comment: This sequence change replaces alanine with threonine at codon 1058 of the KCNH2 protein (p.Ala1058Thr). The alanine residue is weakly conserved and there is a small physicochemical difference between alanine and threonine. This variant identified in the KCNH2 gene is located in the cytoplasmic C-terminal region of the resulting protein (PMID: 19841300, 25348405). It is unclear how this variant impacts the function of this protein. In summary, this variant has uncertain impact on KCNH2 function. The available evidence is currently insufficient to determine its role in disease. Therefore, it has been classified as a Variant of Uncertain Significance. Algorithms developed to predict the effect of missense changes on protein structure and function output the following: SIFT: "Tolerated"; PolyPhen-2: "Benign"; Align-GVGD: "Class C0". The threonine amino acid residue is found in multiple mammalian species, suggesting that this missense change does not adversely affect protein function. These predictions have not been confirmed by published functional studies and their clinical significance is uncertain. This variant has not been reported in the literature in individuals with a KCNH2-related disease. This variant is present in population databases (rs555269990, ExAC 0.007%).

Literature cited by the submitters: PubMed 19841300; PubMed 25348405.

NM_000238.4(KCNH2):c.3172G>A (p.Ala1058Thr)

Gene: KCNH2 (potassium voltage-gated channel subfamily H member 2; minus strand). Cytogenetic location: 7q36.1.
Variant type: single nucleotide variant.
Coding change: c.3172G>A on transcript NM_000238.4 (MANE Select); coding-DNA position 3172, G replaced by A.
Protein change: p.Ala1058Thr; replaces alanine 1058 with threonine.
Molecular consequence: missense variant.
Genome position (GRCh38, 1-based): chr7:150,947,035, C>T on the plus strand (G>A on the coding strand, the complement: KCNH2 is on the minus strand). VCF-style: chr7-150947035-C-T. GRCh37 (hg19) VCF-style: chr7-150644123-C-T.
Other names: c.2152G>A, p.Ala718Thr (NM_172057.3); short protein forms A1058T, A718T.
Identifiers: ClinVar variation 456924 (VCV000456924.9), dbSNP rs555269990, ClinGen allele CA037716.